The following is an entry in ClinVar:

NM_020686.6(ABAT):c.1369G>A (p.Ala457Thr)

Gene: ABAT (4-aminobutyrate aminotransferase; plus strand). Cytogenetic location: 16p13.2.
Variant type: single nucleotide variant.
Coding change: c.1369G>A on transcript NM_020686.6 (MANE Select); coding-DNA position 1369, G replaced by A.
Protein change: p.Ala457Thr; replaces alanine 457 with threonine.
Molecular consequence: missense variant. On other transcripts: intron variant (1).
Genome position (GRCh38, 1-based): chr16:8,779,578, G>A. VCF-style: chr16-8779578-G-A. GRCh37 (hg19) VCF-style: chr16-8873435-G-A.
Other names: c.1369G>A, p.Ala457Thr (NM_000663.5, NM_001127448.2, NM_001386600.1 and 5 more transcripts); c.1330G>A, p.Ala444Thr (NM_001386605.1); c.1306G>A, p.Ala436Thr (NM_001386606.1, NM_001386607.1); c.1276G>A, p.Ala426Thr (NM_001386608.1); c.1234G>A, p.Ala412Thr (NM_001386610.1, NM_001386611.1); c.1171G>A, p.Ala391Thr (NM_001386612.1, NM_001386613.1); c.1123G>A, p.Ala375Thr (NM_001386614.1); c.1465G>A, p.Ala489Thr (NM_001386615.1); and 1 more; short protein forms A375T, A426T, A457T, A391T, A444T, A412T, A436T, A489T.
Identifiers: ClinVar variation 2194407 (VCV002194407.2), dbSNP rs747444038, ClinGen allele CA7893533.

ClinVar aggregate classification (germline): Uncertain significance. Review status: criteria provided, multiple submitters, no conflicts (2 of 4 stars). 2 submissions from 2 submitters: Uncertain significance (2). Last evaluated 2026-08-06.

Conditions:
Gamma-aminobutyric acid transaminase deficiency (GABATD). Also called: GABA aminotransaminase deficiency; GABA transaminase deficiency; Gamma aminobutyrate transaminase deficiency; 4 alpha aminobutyrate transaminase deficiency. Identifiers: Orphanet 2066, MedGen C0342708, MONDO:0013166, OMIM 613163.

Allele frequency attached by ClinVar (database versions not stated): gnomAD exomes below 0.00001; ExAC 0.00001.

Submissions (2):

OLLIN Analises Genomicas, OLLIN
Classification: Uncertain significance. Last evaluated: 2026-08-06. Review status: criteria provided, single submitter. Criteria: ACMG Guidelines 2015 PMID 25741868. Collection method: clinical testing. Allele origin: germline.
Comment: This missense variant, located in exon 15 (of 16), is absent from gnomAD and has not been identified in the literature. However, it has been reported in ClinVar (accession VCV002194407.1). In silico analysis is inconclusive regarding the impact of this variant. According to the currently available evidence, this variant has been classified as uncertain significance (PM2_P).

Labcorp Genetics (formerly Invitae), Labcorp
Classification: Uncertain significance for Gamma-aminobutyric acid transaminase deficiency. Last evaluated: 2022-05-31. Review status: criteria provided, single submitter. Criteria: Invitae Variant Classification Sherloc (09022015). Collection method: clinical testing. Allele origin: germline.
Comment: This sequence change replaces alanine, which is neutral and non-polar, with threonine, which is neutral and polar, at codon 457 of the ABAT protein (p.Ala457Thr). This variant is present in population databases (rs747444038, gnomAD 0.0009%). This variant has not been reported in the literature in individuals affected with ABAT-related conditions. Algorithms developed to predict the effect of missense changes on protein structure and function (SIFT, PolyPhen-2, Align-GVGD) all suggest that this variant is likely to be tolerated. In summary, the available evidence is currently insufficient to determine the role of this variant in disease. Therefore, it has been classified as a Variant of Uncertain Significance.